The following is an entry in ClinVar:

NM_000051.4(ATM):c.6096-16C>T

Genes: C11orf65 (chromosome 11 open reading frame 65; minus strand), ATM (ATM serine/threonine kinase; plus strand). Cytogenetic location: 11q22.3.
Variant type: single nucleotide variant.
Coding change: c.6096-16C>T on transcript NM_000051.4 (MANE Select); 16 bases into the intron before coding-DNA position 6096, C replaced by T.
Molecular consequence: intron variant.
Genome position (GRCh38, 1-based): chr11:108,315,995, C>T. VCF-style: chr11-108315995-C-T. GRCh37 (hg19) VCF-style: chr11-108186722-C-T.
Other names: c.6096-16C>T (NM_001351834.2); c.641-6924G>A (NM_001330368.2); c.*39-6924G>A (NM_001351110.2).
Identifiers: ClinVar variation 3254525 (VCV003254525.3), dbSNP rs2136126084.

ClinVar aggregate classification (germline): Likely benign. Review status: criteria provided, multiple submitters, no conflicts (2 of 4 stars). 2 submissions from 2 submitters: Likely benign (2). Last evaluated 2024-10-16.

Conditions:
Ataxia-telangiectasia syndrome (AT). Also called: Ataxia-telangiectasia; Ataxia-telangiectasia, complementation group D; AT, COMPLEMENTATION GROUP C; Ataxia-telangiectasia, complementation group E; LOUIS-BAR SYNDROME; Cerebello-oculocutaneous telangiectasia. Identifiers: Orphanet 100, MedGen C0004135, MONDO:0008840, OMIM 208900.
Familial cancer of breast. Also called: hereditary breast carcinoma; BREAST CANCER, FAMILIAL; Hereditary breast cancer. Identifiers: Orphanet 227535, MedGen C0346153, MONDO:0016419, OMIM 114480. Disease mechanism: loss of function.

Submissions (2):

Labcorp Genetics (formerly Invitae), Labcorp
Classification: Likely benign for Ataxia-telangiectasia syndrome. Last evaluated: 2024-10-16. Review status: criteria provided, single submitter. Criteria: Invitae Variant Classification Sherloc (09022015). Collection method: clinical testing. Allele origin: germline.

Myriad Genetics, Inc.
Classification: Likely benign for Familial cancer of breast. Last evaluated: 2024-06-03. Review status: criteria provided, single submitter. Criteria: Myriad Autosomal Dominant, Autosomal Recessive and X-Linked Classification Criteria (2023). Collection method: clinical testing. Allele origin: unknown.
Comment: This variant is considered likely benign. This variant is intronic and is not expected to impact mRNA splicing.